The following is an entry in ClinVar:

ClinVar aggregate classification (germline): Uncertain significance (1 of 4 stars; one submission).

Submission:

CeGaT Center for Human Genetics Tuebingen
Classification: Uncertain significance. Last evaluated: 2023-09-01. Review status: criteria provided, single submitter. Criteria: CeGaT Center For Human Genetics Tuebingen Variant Classification Criteria Version 2. Collection method: clinical testing. Allele origin: germline. Affected: yes. Observed: 1 variant allele.
Comment: TEX11: PM2, BP4

NM_031276.3(TEX11):c.2666A>G (p.Lys889Arg)

Gene: TEX11 (testis expressed 11; minus strand). Cytogenetic location: Xq13.1.
Variant type: single nucleotide variant.
Coding change: c.2666A>G on transcript NM_031276.3 (MANE Select); coding-DNA position 2666, A replaced by G.
Protein change: p.Lys889Arg; replaces lysine 889 with arginine.
Molecular consequence: missense variant.
Genome position (GRCh38, 1-based): chrX:70,529,854, T>C on the plus strand (A>G on the coding strand, the complement: TEX11 is on the minus strand). VCF-style: chrX-70529854-T-C. GRCh37 (hg19) VCF-style: chrX-69749704-T-C.
Other names: c.2711A>G, p.Lys904Arg (NM_001003811.2); short protein forms K889R, K904R.
Identifiers: ClinVar variation 2660828 (VCV002660828.24), dbSNP rs2519943110, ClinGen allele CA413464659.